The following is an entry in ClinVar:

NM_004993.6(ATXN3):c.634G>A (p.Val212Met)

Gene: ATXN3 (ataxin 3; minus strand). Cytogenetic location: 14q32.12.
Variant type: single nucleotide variant.
Coding change: c.634G>A on transcript NM_004993.6 (MANE Select); coding-DNA position 634, G replaced by A.
Protein change: p.Val212Met; replaces valine 212 with methionine.
Molecular consequence: missense variant. On other transcripts: non-coding transcript variant (16), intron variant (5).
Genome position (GRCh38, 1-based): chr14:92,082,441, C>T on the plus strand (G>A on the coding strand, the complement: ATXN3 is on the minus strand). VCF-style: chr14-92082441-C-T. GRCh37 (hg19) VCF-style: chr14-92548785-C-T.
Other names: NC_000014.8:g.92548785C>T; c.589G>A, p.Val197Met (NM_001127696.2); c.481G>A, p.Val161Met (NM_001127697.3); c.271G>A, p.Val91Met (NM_001164779.2); c.97G>A, p.Val33Met (NM_001164780.2); c.424G>A, p.Val142Met (NM_001164781.2); c.469G>A, p.Val157Met (NM_030660.5); c.25-11388G>A (NM_001164782.2); and 4 more; short protein forms V212M, V142M, V91M, V157M, V197M, V33M, V161M.
Identifiers: ClinVar variation 128511 (VCV000128511.8), dbSNP rs1048755, ClinGen allele CA152005.

ClinVar aggregate classification (germline): Benign. Review status: criteria provided, single submitter (1 of 4 stars). 2 submissions from 2 submitters: Benign (1). 1 of the submissions does not count toward it.

Allele frequency attached by ClinVar (database versions not stated): gnomAD exomes 0.25730 and 0.26690; gnomAD 0.27623 and 0.27236; TOPMed 0.27362; ExAC 0.27143; ESP Exome Variant Server 0.27287; 1000 Genomes Project 30x 0.32277; 1000 Genomes Project 0.32508.
gnomAD v4.1: 418,828 of 1,613,244 alleles (26%); highest among the groups gnomAD compares: East Asian, 46%; 56,603 homozygotes.

Submissions (10):

Breakthrough Genomics
Classification: Benign. Review status: criteria provided, single submitter. Criteria: ACMG Guidelines, 2015. Collection method: not provided. Allele origin: germline. Inheritance: Autosomal dominant inheritance. Affected: yes.

Dr. Peter K. Rogan Lab, Western University
No classification provided (evidence only). Condition: Squamous cell carcinoma of the head and neck. Review status: no classification provided. Collection method: in vitro. Allele origin: not applicable. Functional consequence: retained intron. Not counted in ClinVar's aggregate classification.

Dr. Peter K. Rogan Lab, Western University
No classification provided (evidence only). Condition: Malignant lymphoma, large B-cell, diffuse. Review status: no classification provided. Collection method: in vitro. Allele origin: not applicable. Functional consequence: retained intron. Not counted in ClinVar's aggregate classification.

Dr. Peter K. Rogan Lab, Western University
No classification provided (evidence only). Condition: Malignant lymphoma, large B-cell, diffuse. Review status: no classification provided. Collection method: in vitro. Allele origin: not applicable. Functional consequence: retained intron. Not counted in ClinVar's aggregate classification.

Dr. Peter K. Rogan Lab, Western University
No classification provided (evidence only). Condition: Malignant lymphoma, large B-cell, diffuse. Review status: no classification provided. Collection method: in vitro. Allele origin: not applicable. Functional consequence: retained intron. Not counted in ClinVar's aggregate classification.

Dr. Peter K. Rogan Lab, Western University
No classification provided (evidence only). Condition: Malignant lymphoma, large B-cell, diffuse. Review status: no classification provided. Collection method: in vitro. Allele origin: not applicable. Functional consequence: retained intron. Not counted in ClinVar's aggregate classification.

Dr. Peter K. Rogan Lab, Western University
No classification provided (evidence only). Condition: Malignant lymphoma, large B-cell, diffuse. Review status: no classification provided. Collection method: in vitro. Allele origin: not applicable. Functional consequence: retained intron. Not counted in ClinVar's aggregate classification.

Dr. Peter K. Rogan Lab, Western University
No classification provided (evidence only). Condition: Malignant lymphoma, large B-cell, diffuse. Review status: no classification provided. Collection method: in vitro. Allele origin: not applicable. Functional consequence: retained intron. Not counted in ClinVar's aggregate classification.

Dr. Peter K. Rogan Lab, Western University
No classification provided (evidence only). Condition: Malignant lymphoma, large B-cell, diffuse. Review status: no classification provided. Collection method: in vitro. Allele origin: not applicable. Functional consequence: retained intron. Not counted in ClinVar's aggregate classification.

Genetic Services Laboratory, University of Chicago
Classification: Likely benign for AllHighlyPenetrant. Review status: no assertion criteria provided. Collection method: clinical testing. Allele origin: germline. Inheritance: Autosomal dominant inheritance. Not counted in ClinVar's aggregate classification.
Comment: Likely benign based on allele frequency in 1000 Genomes Project or ESP global frequency and its presence in a patient with a rare or unrelated disease phenotype. NOT Sanger confirmed.